The following is an entry in ClinVar:

NM_001844.5(COL2A1):c.410G>A (p.Arg137His)

Gene: COL2A1 (collagen type II alpha 1 chain; minus strand). Cytogenetic location: 12q13.11.
Variant type: single nucleotide variant.
Coding change: c.410G>A on transcript NM_001844.5 (MANE Select); coding-DNA position 410, G replaced by A.
Protein change: p.Arg137His; replaces arginine 137 with histidine.
Molecular consequence: missense variant.
Genome position (GRCh38, 1-based): chr12:47,997,890, C>T on the plus strand (G>A on the coding strand, the complement: COL2A1 is on the minus strand). VCF-style: chr12-47997890-C-T. GRCh37 (hg19) VCF-style: chr12-48391673-C-T.
Other names: c.203G>A, p.Arg68His (NM_033150.3); short protein forms R137H, R68H.
Identifiers: ClinVar variation 950210 (VCV000950210.21), dbSNP rs201675352, ClinGen allele CA6535949.

ClinVar aggregate classification (germline): Conflicting classifications of pathogenicity. Review status: criteria provided, conflicting classifications (1 of 4 stars). 5 submissions from 5 submitters: Uncertain significance (2); Likely benign (3). Last evaluated 2026-05-18.

Conditions:
COL2A1-related disorder. Also called: COL2A1-related condition; COL2A1-related disorders.
Inborn genetic diseases. Identifiers: MedGen C0950123, MeSH D030342.

Allele frequency attached by ClinVar (database versions not stated): gnomAD exomes 0.00007 and 0.00008; ESP Exome Variant Server 0.00008; TOPMed 0.00010; ExAC 0.00011.
gnomAD v4.1: 118 of 1,613,998 alleles (0.0073%); highest among the groups gnomAD compares: African/African-American, 0.011%; 2 homozygotes.

Submissions (5):

PreventionGenetics, part of Exact Sciences
Classification: Uncertain significance for COL2A1-related condition. Last evaluated: 2026-05-18. Review status: criteria provided, single submitter. Criteria: ACMG Guidelines, 2015. Collection method: clinical testing. Allele origin: germline.
Comment: The COL2A1 c.410G>A variant is predicted to result in the amino acid substitution p.Arg137His. This variant has been reported in an individual with COL2A1-collagenopathy (Plachy et al. 2021. PubMed ID: 33570564), and it has been reported in the Leiden Open Variation Database (LOVD) in association with Stickler syndrome type I (Table S1, Barat-Houari et al. 2016. PubMed ID: 26443184). In addition, this variant has been observed in a cohort of children born small for gestational age with persistent short stature (Toni et al. 2024. PubMed ID: 37019085). This variant is reported in 0.010% of alleles in individuals of European (Non-Finnish) descent in gnomAD, including two homozygotes in the larger gnomAD v4.1.0 database. Although we suspect that this variant may be benign, at this time, the clinical significance of this variant is uncertain due to the absence of conclusive functional and genetic evidence.

Labcorp Genetics (formerly Invitae), Labcorp
Classification: Likely benign. Last evaluated: 2025-10-27. Review status: criteria provided, single submitter. Criteria: Invitae Variant Classification Sherloc (09022015). Collection method: clinical testing. Allele origin: germline.

GeneDx
Classification: Uncertain significance. Last evaluated: 2025-06-09. Review status: criteria provided, single submitter. Criteria: GeneDx Variant Classification Process June 2021. Collection method: clinical testing. Allele origin: germline. Affected: yes.
Comment: Reported in a child with severe familial short stature; observed in the compound heterozygous state with p.(R1036G) (PMID: 30753492, 33570564); Has also been reported in an individual with small for gestational age and persistent short stature (PMID: 37019085); In silico analysis suggests that this missense variant does not alter protein structure/function; Not located in the triple helical region, where the majority of pathogenic missense variants occur (HGMD); This variant is associated with the following publications: (PMID: 26443184, 34498032, 33570564, 37019085, 30753492, 37471416)

Blueprint Genetics
Classification: Likely benign. Last evaluated: 2024-11-19. Review status: criteria provided, single submitter. Criteria: ACMG Guidelines, 2015. Collection method: clinical testing. Allele origin: germline.

Ambry Genetics
Classification: Likely benign for Inborn genetic diseases. Last evaluated: 2021-08-06. Review status: criteria provided, single submitter. Criteria: Ambry Variant Classification Scheme 2023. Collection method: clinical testing. Allele origin: germline.